The following is an entry in ClinVar:

NM_000350.3(ABCA4):c.6077T>C (p.Leu2026Pro)

Gene: ABCA4 (ATP binding cassette subfamily A member 4; minus strand). Cytogenetic location: 1p22.1.
Variant type: single nucleotide variant.
Coding change: c.6077T>C on transcript NM_000350.3 (MANE Select); coding-DNA position 6077, T replaced by C.
Protein change: p.Leu2026Pro; replaces leucine 2026 with proline.
Molecular consequence: missense variant.
Genome position (GRCh38, 1-based): chr1:94,005,511, A>G on the plus strand (T>C on the coding strand, the complement: ABCA4 is on the minus strand). VCF-style: chr1-94005511-A-G. GRCh37 (hg19) VCF-style: chr1-94471067-A-G.
Other names: c.5855T>C, p.Leu1952Pro (NM_001425324.1); short protein forms L2026P, L1952P.
Identifiers: ClinVar variation 236144 (VCV000236144.12), dbSNP rs886044758, ClinGen allele CA10602410.

ClinVar aggregate classification (germline): Pathogenic/Likely pathogenic. Review status: criteria provided, multiple submitters, no conflicts (2 of 4 stars). 6 submissions from 5 submitters: Pathogenic (2); Likely pathogenic (4). Last evaluated 2024-02-07.

Conditions:
ABCA4-related disorder. Also called: ABCA4-related condition; ABCA4-related disorders. Identifiers: MedGen CN239167.
Retinal dystrophy. Also called: Inherited retinal dystrophy. Identifiers: Orphanet 71862, MedGen C0854723, MeSH D058499, MONDO:0019118, HP:0000556.
Cone-rod dystrophy 3 (CORD3). Identifiers: Orphanet 1872, MedGen C1858806, MONDO:0011395, OMIM 604116.
Age related macular degeneration 2. Also called: MACULOPATHY, AGE-RELATED; MACULAR DEGENERATION, SENILE; MACULOPATHY, AGE-RELATED, 2. Identifiers: MedGen C3495438, MONDO:0007932, OMIM 153800.
Severe early-childhood-onset retinal dystrophy (STGD1). Also called: Stargardt macular dystrophy; Juvenile onset macular degeneration; Stargardt disease 1; STGD; MACULAR DYSTROPHY WITH FLECKS, TYPE 1. Identifiers: Orphanet 364055, Orphanet 827, MedGen C1855465, MeSH D000080362, MONDO:0009549, OMIM 248200.
Retinitis pigmentosa 19 (RP19). Also called: ABCA4-Related Retinitis Pigmentosa. Identifiers: Orphanet 791, MedGen C1866422, MONDO:0011137, OMIM 601718.

Allele frequency attached by ClinVar (database versions not stated): gnomAD exomes below 0.00001.
gnomAD v4.1: 3 of 1,614,182 alleles (0.00019%); highest among the groups gnomAD compares: Admixed American, 0.0017%; no homozygotes.

Submissions (6):

Labcorp Genetics (formerly Invitae), Labcorp
Classification: Pathogenic. Last evaluated: 2024-02-07. Review status: criteria provided, single submitter. Criteria: Invitae Variant Classification Sherloc (09022015). Collection method: clinical testing. Allele origin: germline.
Comment: This sequence change replaces leucine, which is neutral and non-polar, with proline, which is neutral and non-polar, at codon 2026 of the ABCA4 protein (p.Leu2026Pro). This variant is present in population databases (no rsID available, gnomAD 0.003%). This missense change has been observed in individual(s) with Stargardt disease (PMID: 29854428, 29925512, 34214897). In at least one individual the data is consistent with being in trans (on the opposite chromosome) from a pathogenic variant. ClinVar contains an entry for this variant (Variation ID: 236144). Advanced modeling of protein sequence and biophysical properties (such as structural, functional, and spatial information, amino acid conservation, physicochemical variation, residue mobility, and thermodynamic stability) performed at Invitae indicates that this missense variant is expected to disrupt ABCA4 protein function with a positive predictive value of 95%. For these reasons, this variant has been classified as Pathogenic.

Blueprint Genetics
Classification: Pathogenic for ABCA4-related disorders. Last evaluated: 2022-07-28. Review status: criteria provided, single submitter. Criteria: ACMG Guidelines, 2015. Collection method: clinical testing. Allele origin: germline. Affected: yes. Observed: 1 variant allele.

Institute of Human Genetics, Univ. Regensburg, Univ. Regensburg
Classification: Likely pathogenic for Retinal dystrophy. Last evaluated: 2021-01-01. Review status: criteria provided, single submitter. Criteria: ACMG Guidelines, 2015. Collection method: clinical testing. Allele origin: germline. Affected: yes.

Fulgent Genetics
Classification: Likely pathogenic for Age related macular degeneration 2; Severe early-childhood-onset retinal dystrophy; Retinitis pigmentosa 19; Cone-rod dystrophy 3. Last evaluated: 2018-10-31. Review status: criteria provided, single submitter. Criteria: ACMG Guidelines, 2015. Collection method: clinical testing. Allele origin: unknown.

Institute of Human Genetics, Univ. Regensburg, Univ. Regensburg
Classification: Likely pathogenic for Severe early-childhood-onset retinal dystrophy. Last evaluated: 2016-01-01. Review status: criteria provided, single submitter. Criteria: Schulz et al. (Invest Ophthalmol Vis Sci. 2017). Collection method: clinical testing. Allele origin: germline. Affected: yes. Observed: 1 heterozygote.

GeneDx
Classification: Likely pathogenic. Last evaluated: 2014-01-04. Review status: criteria provided, single submitter. Criteria: GeneDx Variant Classification (06012015). Collection method: clinical testing. Allele origin: germline. Affected: yes.
Comment: The L2026P missense variant has not been reported previously as a pathogenic variant or as a benign polymorphism to our knowledge. The L2026P amino acid substitution is semi-conservative since there is no change in charge or polarity, although the unique structure of the Proline residue may affect the secondary structure of the protein. The position at which this substitution occurs is conserved in the protein and other missense variants in nearby codons (L2027F, R2030Q) have been reported in association with Stargardt disease (Lewis et al., 1999; Webster et al., 2001; Briggs et al., 2001). Additionally, the L2026P variant was not observed in approximately 6,500 individuals of European and African American ancestry in an external variant database, indicating it is not a common benign variant in these populations. Therefore, the L2026P missense change is a strong candidate for a pathogenic variant, although the possibility that it is a benign polymorphism can not be excluded.

Literature cited by the submitters: PubMed 29854428 (cited by Labcorp Genetics (formerly Invitae), Labcorp); PubMed 29925512 (cited by Labcorp Genetics (formerly Invitae), Labcorp and Institute of Human Genetics, Univ. Regensburg, Univ. Regensburg); PubMed 34214897 (cited by Labcorp Genetics (formerly Invitae), Labcorp); PubMed 28118664 (cited by Institute of Human Genetics, Univ. Regensburg, Univ. Regensburg); PubMed 31964843 (cited by Institute of Human Genetics, Univ. Regensburg, Univ. Regensburg); PubMed 32307445 (cited by Institute of Human Genetics, Univ. Regensburg, Univ. Regensburg); PubMed 32531858 (cited by Institute of Human Genetics, Univ. Regensburg, Univ. Regensburg).